The following is an entry in ClinVar:

NM_020247.5(COQ8A):c.234G>C (p.Glu78Asp)

Gene: COQ8A (coenzyme Q8A; plus strand). Cytogenetic location: 1q42.13.
Variant type: single nucleotide variant.
Coding change: c.234G>C on transcript NM_020247.5 (MANE Select); coding-DNA position 234, G replaced by C.
Protein change: p.Glu78Asp; replaces glutamic acid 78 with aspartic acid.
Molecular consequence: missense variant.
Genome position (GRCh38, 1-based): chr1:226,965,056, G>C. VCF-style: chr1-226965056-G-C. GRCh37 (hg19) VCF-style: chr1-227152757-G-C.
Other names: short protein forms E78D.
Identifiers: ClinVar variation 1932710 (VCV001932710.4), dbSNP rs771302737, ClinGen allele CA1424967.

ClinVar aggregate classification (germline): Uncertain significance. Review status: criteria provided, multiple submitters, no conflicts (2 of 4 stars). 2 submissions from 2 submitters: Uncertain significance (2). Last evaluated 2024-09-09.

Allele frequency attached by ClinVar (database versions not stated): TOPMed below 0.00001; ExAC 0.00001; gnomAD 0.00001; gnomAD exomes 0.00001.
gnomAD v4.1: 18 of 1,614,022 alleles (0.0011%); highest among the groups gnomAD compares: East Asian, 0.0045%; no homozygotes.

Submissions (2):

Blueprint Genetics
Classification: Uncertain significance. Last evaluated: 2024-09-09. Review status: criteria provided, single submitter. Criteria: ACMG Guidelines, 2015. Collection method: clinical testing. Allele origin: germline.

Labcorp Genetics (formerly Invitae), Labcorp
Classification: Uncertain significance. Last evaluated: 2024-03-16. Review status: criteria provided, single submitter. Criteria: Invitae Variant Classification Sherloc (09022015). Collection method: clinical testing. Allele origin: germline.
Comment: This sequence change replaces glutamic acid, which is acidic and polar, with aspartic acid, which is acidic and polar, at codon 78 of the COQ8A protein (p.Glu78Asp). This variant is present in population databases (rs771302737, gnomAD 0.004%). This variant has not been reported in the literature in individuals affected with COQ8A-related conditions. ClinVar contains an entry for this variant (Variation ID: 1932710). Advanced modeling of protein sequence and biophysical properties (such as structural, functional, and spatial information, amino acid conservation, physicochemical variation, residue mobility, and thermodynamic stability) performed at Invitae indicates that this missense variant is not expected to disrupt COQ8A protein function with a negative predictive value of 95%. In summary, the available evidence is currently insufficient to determine the role of this variant in disease. Therefore, it has been classified as a Variant of Uncertain Significance.